The following is an entry in ClinVar:

NM_153676.4(USH1C):c.264G>A (p.Val88=)

Gene: USH1C (USH1 protein network component harmonin; minus strand). Cytogenetic location: 11p15.1.
Variant type: single nucleotide variant.
Coding change: c.264G>A on transcript NM_153676.4 (MANE Select); coding-DNA position 264, G replaced by A.
Protein change: p.Val88=; no amino-acid change (valine 88 retained).
Molecular consequence: synonymous variant. On other transcripts: non-coding transcript variant (1).
Genome position (GRCh38, 1-based): chr11:17,531,277, C>T on the plus strand (G>A on the coding strand, the complement: USH1C is on the minus strand). VCF-style: chr11-17531277-C-T. GRCh37 (hg19) VCF-style: chr11-17552824-C-T.
Other names: c.264G>A, p.Val88= (NM_001297764.2, NM_005709.4).
Identifiers: ClinVar variation 48011 (VCV000048011.13), dbSNP rs397517879, ClinGen allele CA142365.
Genomic context (GRCh38, chr11:17,531,277, plus strand): 5'-AAACTCCAGGCCACCACGCACACTCAGGCCGAGGCCTTCGGGGTGCAGACGGTCCAGACG[C>T]ACCTCCTTCAGCTTCCTGCCACACAGGAGAGGTCGGTGATGGTGCAGCTTGGCTGCCAGC-3'
Protein context (NP_710142.1, residues 78-98): TPRRSRKLKE[Val88=]RLDRLHPEGL

ClinVar aggregate classification (germline): Likely benign. Review status: criteria provided, multiple submitters, no conflicts (2 of 4 stars). 2 submissions from 2 submitters: Likely benign (2). Last evaluated 2022-10-20.

gnomAD v4.1: 5 of 1,614,144 alleles (0.00031%); highest among the groups gnomAD compares: Non-Finnish European, 0.00042%; no homozygotes.

Submissions (2):

Labcorp Genetics (formerly Invitae), Labcorp
Classification: Likely benign. Last evaluated: 2022-10-20. Review status: criteria provided, single submitter. Criteria: Invitae Variant Classification Sherloc (09022015). Collection method: clinical testing. Allele origin: germline.

Laboratory for Molecular Medicine, Mass General Brigham Personalized Medicine
Classification: Likely benign. Last evaluated: 2012-05-23. Review status: criteria provided, single submitter. Criteria: LMM Criteria. Collection method: clinical testing. Allele origin: germline. Observed: 1 variant allele.
Comment: Val88Val in exon 4 of USH1C: This variant is not expected to have clinical signi ficance because it does not alter an amino acid residue and is not located withi n the splice consensus sequence.